The following is an entry in ClinVar:

ClinVar aggregate classification (germline): Benign. Review status: criteria provided, multiple submitters, no conflicts (2 of 4 stars). 2 submissions from 2 submitters: Benign (2). Last evaluated 2018-01-12.

Conditions:
Nephronophthisis 9 (NPHP9). Identifiers: Orphanet 655, MedGen C3151188, MONDO:0013444, OMIM 613824.

Allele frequency attached by ClinVar (database versions not stated): gnomAD 0.40723 and 0.41517; gnomAD exomes 0.52587; TOPMed 0.39899; 1000 Genomes Project 30x 0.37633; 1000 Genomes Project 0.39077.

Submissions (2):

Illumina Laboratory Services, Illumina
Classification: Benign for Nephronophthisis 9. Last evaluated: 2018-01-12. Review status: criteria provided, single submitter. Criteria: ICSL Variant Classification Criteria 13 December 2019. Collection method: clinical testing. Allele origin: germline.
Comment: This variant was observed in the ICSL laboratory as part of a predisposition screen in an ostensibly healthy population. It had not been previously curated by ICSL or reported in the Human Gene Mutation Database (HGMD: prior to June 1st, 2018), and was therefore a candidate for classification through an automated scoring system. Utilizing variant allele frequency, disease prevalence and penetrance estimates, and inheritance mode, an automated score was calculated to assess if this variant is too frequent to cause the disease. Based on the score and internal cut-off values, a variant classified as benign is not then subjected to further curation. The score for this variant resulted in a classification of benign for this disease.

Breakthrough Genomics
Classification: Benign. Review status: criteria provided, single submitter. Criteria: ACMG Guidelines, 2015. Collection method: not provided. Allele origin: germline. Inheritance: Autosomal recessive inheritance. Affected: yes.

NM_178170.3(NEK8):c.*388C>T

Gene: NEK8 (NIMA related kinase 8; plus strand). Cytogenetic location: 17q11.2.
Variant type: single nucleotide variant.
Coding change: c.*388C>T on transcript NM_178170.3 (MANE Select); 388 bases downstream of the stop codon, C replaced by T.
Molecular consequence: 3 prime UTR variant.
Genome position (GRCh38, 1-based): chr17:28,742,375, C>T. VCF-style: chr17-28742375-C-T. GRCh37 (hg19) VCF-style: chr17-27069393-C-T.
Identifiers: ClinVar variation 322494 (VCV000322494.6), dbSNP rs1142899, ClinGen allele CA10649812.
Genomic context (GRCh38, chr17:28,742,375, plus strand): 5'-CGGGCGCAGTGGCTCACGCCTGTAATCCCAGCACTTTGGGAGGCTGAGGCGGGCGGATCA[C>T]GAGGTCAGGAGATCGAGACCATCCTGGCTAACGTGGTGAAACCCCATCTCTACTAAAAAT-3'